The following is an entry in ClinVar:

ClinVar aggregate classification (germline): Pathogenic. Review status: reviewed by expert panel (3 of 4 stars). 16 submissions from 16 submitters: Pathogenic (1). 15 of the submissions do not count toward it. Last evaluated 2022-11-02.

Conditions:
GAA-related disorders.
Glycogen storage disease due to acid maltase deficiency, late-onset (LOPD). Also called: POMPE DISEASE, LATE-ONSET; GLYCOGEN STORAGE DISEASE II, LATE-ONSET; ACID ALPHA-GLUCOSIDASE DEFICIENCY, LATE-ONSET; GAA DEFICIENCY, LATE-ONSET; ACID MALTASE DEFICIENCY, LATE-ONSET; AMD, LATE-ONSET. Identifiers: Orphanet 420429, MedGen C0342753, MONDO:0018485, OMIM 621314.
Glycogen storage disease, type II (IOPD). Also called: Glucosidase acid-1,4-alpha deficiency; CARDIOMEGALIA GLYCOGENICA DIFFUSA; POMPE DISEASE, INFANTILE-ONSET; GLYCOGEN STORAGE DISEASE II, INFANTILE-ONSET; ACID ALPHA-GLUCOSIDASE DEFICIENCY, INFANTILE-ONSET; GAA DEFICIENCY, INFANTILE-ONSET. Identifiers: Orphanet 365, MedGen C0017921, MONDO:0009290, OMIM 232300.

Allele frequency attached by ClinVar (database versions not stated): ExAC 0.00001; gnomAD exomes 0.00001 and 0.00002; TOPMed 0.00002; gnomAD 0.00003.

Submissions 1 to 10 of 16:

ClinGen Lysosomal Storage Disorder Variant Curation Expert Panel
Classification: Pathogenic for Glycogen storage disease, type II. Last evaluated: 2022-11-02. Review status: reviewed by expert panel. Criteria: clingen_lsd_acmg_specifications_v2-1. Collection method: curation. Allele origin: germline. Inheritance: Autosomal recessive inheritance.
Comment: The NM_000152.5:c.877G>A variant in GAA is a missense variant that is predicted to result in the substitution of glycine by arginine at amino acid 293 (p.Gly293Arg). Patients with a diagnosis of Pompe disease reported with this variant include five individuals with documented laboratory values showing deficient GAA activity meeting the specifications of the ClinGen LSD VCEP (PMIDs: 23566438, 24590251, 26497565), one of whom also has features reported that are consistent with infantile onset Pompe disease (PMID: 31510962) and additional patients reported to be on enzyme replacement therapy but without documentation of residual GAA activity (PMID: 18607768, 21605996) (PP4_Moderate). At least 6 patients are compound heterozygous, phase unconfirmed, for the variant and another variant in GAA that has been classified as pathogenic by the ClinGen LSD VCEP including c.-32-13T>G (PMIDs: 18607768, 21605996, 23566438, 24590251, 25455803, 29181627, 31710733), c.2481+102_2646+31del (PMID: 18429042) and c.716del (p.Leu239fsTer28) (PMID: 14695532), and at least two individuals are homozygous for the variant (PMIDs: 31510962, 26497565) (2 x 0.5 points) (PM3_Strong). In addition, two patients are compound heterozygous for the variant and either c.719C>T (p.Phe240Ser; note that reference sequence has a T at position 719) (PMID: 25455803) or c.710C>T (p.Ala237Val) (PMIDs: 15668445, 17573812, 17643989. The allelic data from these patients will be used in the classification of p.Phe240Ser and is not included here to avoid circular logic. The highest population minor allele frequency in gnomAD v2.1.1. is 0.00006 (2/35062 alleles) in the Latino / Admixed American population, which is lower than the ClinGen LSD VCEP threshold (<0.001) for PM2_Supporting, meeting this criterion (PM2_Supporting). When expressed in COS cells, this variant results in <2% residual GAA activity in medium and cells (PMIDs 14695532, 19862843). No GAA protein was observed on Western blot of COS cells expressing the variant (PMID 14695532) (PS3_Moderate). The computational predictor REVEL gives a score of 0.931 which is above the threshold of 0.7, evidence that correlates with impact to GAA function, and SpliceAI predicts the creation of a cryptic splice site 2 nucleotides downstream from the variant (PP3). There is a ClinVar entry for this variant (Variation ID: 4036; 2 star review status) with 6 submitters classifying the variant as pathogenic. In summary, this variant meets the criteria to be classified as pathogenic for Pompe disease. GAA-specific ACMG/AMP criteria applied, as specified by the ClinGen LSD VCEP (Specification Version 2.0): PM3_Strong, PS3_Moderate, PP4_Moderate, PP3, PM2_Supporting. )Classification approved by the ClinGen LSD VCEP on Nov. 2, 2022)

Genomenon, Inc
Classification: Pathogenic for Glycogen storage disease, type II. Last evaluated: 2026-07-01. Review status: criteria provided, single submitter. Criteria: Genomenon Sequence Variant Interpretation Standards - Updated. Collection method: curation. Allele origin: germline. Affected: yes. Not counted in ClinVar's aggregate classification.
Comment: GAA p.Gly293Arg (c.877G>A) is a missense variant that changes the amino acid at codon 293 from Glycine to Arginine. This variant has been observed in at least one proband with a GAA-related disorder in the compound heterozygous and/or homozygous state (PMID:38250073;35477515;34734785;31710733;31510962;23566438;29181627;26497565;27189384;14695532;15668445). At least one functional study has demonstrated a substantial alteration in protein function relative to the wild-type (PMID:14695532;19862843). It is absent or not present at a significant frequency in gnomAD. In silico models predict that this variant is possibly or probably damaging. In conclusion, we classify GAA p.Gly293Arg (c.877G>A) as a pathogenic variant.

Natera, Inc.
Classification: Pathogenic for Glycogen storage disease type II. Last evaluated: 2025-05-10. Review status: criteria provided, single submitter. Criteria: Natera Variant Classification Schema (03/2026). Collection method: clinical testing. Allele origin: germline. Not counted in ClinVar's aggregate classification.
Comment: The c.877G>A variant in GAA is a missense variant predicted to cause substitution of glycine to arginine at amino acid 293. This variant is rare in the general population with a frequency below the threshold expected for the associated phenotype(s). This variant has been observed in one or more individuals affected with the associated recessive disease, as either homozygous or compound heterozygous with a second variant (PMID: 26497565, 22081099). Given the available evidence, this variant is classified as Pathogenic.

Labcorp Genetics (formerly Invitae), Labcorp
Classification: Pathogenic for Glycogen storage disease, type II. Last evaluated: 2024-10-23. Review status: criteria provided, single submitter. Criteria: Invitae Variant Classification Sherloc (09022015). Collection method: clinical testing. Allele origin: germline. Not counted in ClinVar's aggregate classification.
Comment: This sequence change replaces glycine, which is neutral and non-polar, with arginine, which is basic and polar, at codon 293 of the GAA protein (p.Gly293Arg). This variant is present in population databases (rs121907945, gnomAD 0.006%). This missense change has been observed in individual(s) with glycogen storage disease type II (PMID: 14695532, 15668445, 17573812, 18607768, 22676651, 24590251, 27344650, 29122469, 29181627). ClinVar contains an entry for this variant (Variation ID: 4036). Invitae Evidence Modeling of protein sequence and biophysical properties (such as structural, functional, and spatial information, amino acid conservation, physicochemical variation, residue mobility, and thermodynamic stability) indicates that this missense variant is expected to disrupt GAA protein function with a positive predictive value of 95%. Experimental studies have shown that this missense change affects GAA function (PMID: 14695532, 19862843). Algorithms developed to predict the effect of sequence changes on RNA splicing suggest that this variant may create or strengthen a splice site. For these reasons, this variant has been classified as Pathogenic.

Genomic Research Center, Shahid Beheshti University of Medical Sciences
Classification: Pathogenic. Last evaluated: 2024-04-22. Review status: criteria provided, single submitter. Criteria: ACMG Guidelines, 2015. Collection method: clinical testing. Allele origin: unknown. Not counted in ClinVar's aggregate classification.

Baylor Genetics
Classification: Pathogenic for Glycogen storage disease, type II. Last evaluated: 2024-03-29. Review status: criteria provided, single submitter. Criteria: ACMG Guidelines, 2015. Collection method: clinical testing. Allele origin: unknown. Not counted in ClinVar's aggregate classification.

Fulgent Genetics
Classification: Pathogenic for Glycogen storage disease, type II. Last evaluated: 2024-01-30. Review status: criteria provided, single submitter. Criteria: ACMG Guidelines, 2015. Collection method: clinical testing. Allele origin: germline. Not counted in ClinVar's aggregate classification.

Revvity Omics, Revvity
Classification: Pathogenic. Last evaluated: 2023-12-20. Review status: criteria provided, single submitter. Criteria: ACMG Guidelines, 2015. Collection method: clinical testing. Allele origin: germline. Not counted in ClinVar's aggregate classification.

GeneDx
Classification: Pathogenic. Last evaluated: 2023-07-26. Review status: criteria provided, single submitter. Criteria: GeneDx Variant Classification Process June 2021. Collection method: clinical testing. Allele origin: germline. Affected: yes. Not counted in ClinVar's aggregate classification.
Comment: Published functional studies demonstrate a damaging effect on protein function (Hermans et al., 2004; Flanagan et al., 2009); Not observed at significant frequency in large population cohorts (gnomAD); In silico analysis supports that this missense variant has a deleterious effect on protein structure/function and on splicing; Located in the N-terminal -sandwich domain (Kroos et al., 2012; Sugawara et al., 2009); This variant is associated with the following publications: (PMID: 34530085, 31254424, 30275481, 24590251, 29181627, 27344650, 14695532, 18429042, 15668445, 31606152, 22676651, 31510962, 29122469, 18607768, 17573812, 19862843, 22253258, 19343043)

Institute of Medical Genetics and Genomics, Sir Ganga Ram Hospital
Classification: Pathogenic for Glycogen storage disease, type II. Last evaluated: 2023-06-22. Review status: criteria provided, single submitter. Criteria: ACMG Guidelines, 2015. Collection method: clinical testing. Allele origin: germline. Inheritance: Autosomal recessive inheritance. Affected: yes. Observed: 1 homozygote. Not counted in ClinVar's aggregate classification.
Comment: This variant has been found 0.0018%gnomAD (aggregated). This has been previously reported PMID: 31342611

NM_000152.5(GAA):c.877G>A (p.Gly293Arg)

Gene: GAA (alpha glucosidase; plus strand). Cytogenetic location: 17q25.3.
Variant type: single nucleotide variant.
Coding change: c.877G>A on transcript NM_000152.5 (MANE Select); coding-DNA position 877, G replaced by A.
Protein change: p.Gly293Arg; replaces glycine 293 with arginine.
Molecular consequence: missense variant.
Genome position (GRCh38, 1-based): chr17:80,107,818, G>A. VCF-style: chr17-80107818-G-A. GRCh37 (hg19) VCF-style: chr17-78081617-G-A.
Other names: c.877G>A, p.Gly293Arg (LRG_673t1, NM_001079803.3, NM_001079804.3); short protein forms G293R.
Identifiers: ClinVar variation 4036 (VCV000004036.32), dbSNP rs121907945, ClinGen allele CA116622.